The following is an entry in ClinVar:

ClinVar aggregate classification (germline): Uncertain significance (1 of 4 stars; one submission).

Conditions:
Dextro-looped transposition of the great arteries. Also called: Dextrotransposition of the great arteries. Identifiers: Orphanet 860, MedGen C3531771, MONDO:0019443, OMIM 608808, HP:0031348.

Allele frequency attached by ClinVar (database versions not stated): gnomAD exomes below 0.00001.
gnomAD v4.1: 5 of 1,613,994 alleles (0.00031%); highest among the groups gnomAD compares: South Asian, 0.0033%; no homozygotes.

Submission:

Labcorp Genetics (formerly Invitae), Labcorp
Classification: Uncertain significance for Dextro-looped transposition of the great arteries. Last evaluated: 2022-11-02. Review status: criteria provided, single submitter. Criteria: Invitae Variant Classification Sherloc (09022015). Collection method: clinical testing. Allele origin: germline.
Comment: Advanced modeling of protein sequence and biophysical properties (such as structural, functional, and spatial information, amino acid conservation, physicochemical variation, residue mobility, and thermodynamic stability) performed at Invitae indicates that this missense variant is not expected to disrupt MED13L protein function. This sequence change replaces proline, which is neutral and non-polar, with leucine, which is neutral and non-polar, at codon 1787 of the MED13L protein (p.Pro1787Leu). This variant is not present in population databases (gnomAD no frequency). This variant has not been reported in the literature in individuals affected with MED13L-related conditions. In summary, the available evidence is currently insufficient to determine the role of this variant in disease. Therefore, it has been classified as a Variant of Uncertain Significance.

NM_015335.5(MED13L):c.5360C>T (p.Pro1787Leu)

Gene: MED13L (mediator complex subunit 13L; minus strand). Cytogenetic location: 12q24.21.
Variant type: single nucleotide variant.
Coding change: c.5360C>T on transcript NM_015335.5 (MANE Select); coding-DNA position 5360, C replaced by T.
Protein change: p.Pro1787Leu; replaces proline 1787 with leucine.
Molecular consequence: missense variant.
Genome position (GRCh38, 1-based): chr12:115,980,754, G>A on the plus strand (C>T on the coding strand, the complement: MED13L is on the minus strand). VCF-style: chr12-115980754-G-A. GRCh37 (hg19) VCF-style: chr12-116418559-G-A.
Other names: short protein forms P1787L.
Identifiers: ClinVar variation 2970434 (VCV002970434.3), dbSNP rs2499815983, ClinGen allele CA386879928.